The following is an entry in ClinVar:

NM_001267550.2(TTN):c.53581G>A (p.Gly17861Ser)

Genes: TTN (titin; minus strand), TTN-AS1 (TTN antisense RNA 1; plus strand). Cytogenetic location: 2q31.2.
Variant type: single nucleotide variant.
Coding change: c.53581G>A on transcript NM_001267550.2 (MANE Select); coding-DNA position 53581, G replaced by A.
Protein change: p.Gly17861Ser; replaces glycine 17861 with serine.
Molecular consequence: missense variant.
Genome position (GRCh38, 1-based): chr2:178,607,021, C>T on the plus strand (G>A on the coding strand, the complement: TTN is on the minus strand). VCF-style: chr2-178607021-C-T. GRCh37 (hg19) VCF-style: chr2-179471748-C-T.
Other names: c.48658G>A, p.Gly16220Ser (NM_001256850.1); c.26386G>A, p.Gly8796Ser (NM_003319.4); c.45877G>A, p.Gly15293Ser (NM_133378.4); c.26761G>A, p.Gly8921Ser (NM_133432.3); c.26962G>A, p.Gly8988Ser (NM_133437.4); short protein forms G8988S, G8921S, G15293S, G8796S, G16220S, G17861S.
Identifiers: ClinVar variation 666610 (VCV000666610.7), dbSNP rs1576357395, ClinGen allele CA349563006.

ClinVar aggregate classification (germline): Uncertain significance. Review status: criteria provided, multiple submitters, no conflicts (2 of 4 stars). 2 submissions from 2 submitters: Uncertain significance (2). Last evaluated 2024-08-24.

Conditions:
Dilated cardiomyopathy 1G (CMD1G). Identifiers: Orphanet 154, MedGen C1858763, MONDO:0011400, OMIM 604145.
Autosomal recessive limb-girdle muscular dystrophy type 2J (LGMDR10). Also called: MUSCULAR DYSTROPHY, LIMB-GIRDLE, AUTOSOMAL RECESSIVE 10; Limb-girdle muscular dystrophy, type 2J. Identifiers: Orphanet 140922, MedGen C1837342, MONDO:0012127, OMIM 608807.

Allele frequency attached by ClinVar (database versions not stated): gnomAD exomes below 0.00001.
gnomAD v4.1: 1 of 1,606,624 alleles (0.000062%); highest among the groups gnomAD compares: Non-Finnish European, 0.000085%; no homozygotes.

Submissions (2):

Labcorp Genetics (formerly Invitae), Labcorp
Classification: Uncertain significance for Dilated cardiomyopathy 1G; Autosomal recessive limb-girdle muscular dystrophy type 2J. Last evaluated: 2024-08-24. Review status: criteria provided, single submitter. Criteria: Invitae Variant Classification Sherloc (09022015). Collection method: clinical testing. Allele origin: germline.
Comment: This sequence change replaces glycine, which is neutral and non-polar, with serine, which is neutral and polar, at codon 17861 of the TTN protein (p.Gly17861Ser). This variant also falls at the last nucleotide of exon 278, which is part of the consensus splice site for this exon. This variant is not present in population databases (gnomAD no frequency). This variant has not been reported in the literature in individuals affected with TTN-related conditions. ClinVar contains an entry for this variant (Variation ID: 666610). Experimental studies and prediction algorithms are not available or were not evaluated, and the functional significance of this variant is currently unknown. Variants that disrupt the consensus splice site are a relatively common cause of aberrant splicing (PMID: 17576681, 9536098). Algorithms developed to predict the effect of sequence changes on RNA splicing suggest that this variant may disrupt the consensus splice site. This variant is located in the A band of TTN (PMID: 25589632). Variants in this region may be relevant for cardiac or neuromuscular disorders (PMID: 25589632, 23975875). In summary, the available evidence is currently insufficient to determine the role of this variant in disease. Therefore, it has been classified as a Variant of Uncertain Significance.

Laboratory for Molecular Medicine, Mass General Brigham Personalized Medicine
Classification: Uncertain significance. Last evaluated: 2018-06-04. Review status: criteria provided, single submitter. Criteria: LMM Criteria. Collection method: clinical testing. Allele origin: germline. Inheritance: Autosomal dominant inheritance. Observed: 1 variant allele.
Comment: Variant classified as Uncertain Significance - Favor Pathogenic. The p.Gly15293S er variant in TTN has not been previously reported in individuals with cardiomyo pathy and was absent from large population studies. This variant is located in t he last base of exon 279, which is part of the 5? splice region. Computational t ools predict altered splicing which could lead to a loss of function of the TTN protein. However, this information is not predictive enough to determine pathoge nicity without RNA splicing studies. In summary, while there is some suspicion f or a pathogenic role, the clinical significance of the p.Gly15293Ser variant is uncertain. ACMG/AMP criteria applied: PM2, PP3.

Literature cited by the submitters: PubMed 17576681 (cited by Labcorp Genetics (formerly Invitae), Labcorp); PubMed 9536098 (cited by Labcorp Genetics (formerly Invitae), Labcorp); PubMed 25589632 (cited by Labcorp Genetics (formerly Invitae), Labcorp); PubMed 23975875 (cited by Labcorp Genetics (formerly Invitae), Labcorp).